The following is an entry in ClinVar:

ClinVar aggregate classification (germline): Uncertain significance (1 of 4 stars; one submission).

Allele frequency attached by ClinVar (database versions not stated): TOPMed below 0.00001; gnomAD 0.00001; gnomAD exomes below 0.00001.
gnomAD v4.1: 5 of 1,614,018 alleles (0.00031%); highest among the groups gnomAD compares: African/African-American, 0.0013%; no homozygotes.

Submission:

CeGaT Center for Human Genetics Tuebingen
Classification: Uncertain significance. Last evaluated: 2023-09-01. Review status: criteria provided, single submitter. Criteria: CeGaT Center For Human Genetics Tuebingen Variant Classification Criteria Version 2. Collection method: clinical testing. Allele origin: germline. Affected: yes. Observed: 1 variant allele.
Comment: SPEN: PM2

NM_015001.3(SPEN):c.2177A>G (p.Gln726Arg)

Gene: SPEN (spen family transcriptional repressor; plus strand). Cytogenetic location: 1p36.13.
Variant type: single nucleotide variant.
Coding change: c.2177A>G on transcript NM_015001.3 (MANE Select); coding-DNA position 2177, A replaced by G.
Protein change: p.Gln726Arg; replaces glutamine 726 with arginine.
Molecular consequence: missense variant.
Genome position (GRCh38, 1-based): chr1:15,928,417, A>G. VCF-style: chr1-15928417-A-G. GRCh37 (hg19) VCF-style: chr1-16254912-A-G.
Other names: short protein forms Q726R.
Identifiers: ClinVar variation 2638305 (VCV002638305.24), dbSNP rs1410383647, ClinGen allele CA338598590.